The following is an entry in ClinVar:

NM_004360.5(CDH1):c.784T>G (p.Phe262Val)

Gene: CDH1 (cadherin 1; plus strand). Cytogenetic location: 16q22.1.
Variant type: single nucleotide variant.
Coding change: c.784T>G on transcript NM_004360.5 (MANE Select); coding-DNA position 784, T replaced by G.
Protein change: p.Phe262Val; replaces phenylalanine 262 with valine.
Molecular consequence: missense variant. On other transcripts: 5 prime UTR variant (2).
Genome position (GRCh38, 1-based): chr16:68,810,293, T>G. VCF-style: chr16-68810293-T-G. GRCh37 (hg19) VCF-style: chr16-68844196-T-G.
Other names: c.784T>G, p.Phe262Val (NM_001317184.2); c.-832T>G (NM_001317185.2); c.-1036T>G (NM_001317186.2); c.784T>G (LRG_301t1); short protein forms F262V.
Identifiers: ClinVar variation 578067 (VCV000578067.11), dbSNP rs1567505730, ClinGen allele CA396458733.
Genomic context (GRCh38, chr16:68,810,293, plus strand): 5'-GTTGAGGATCCAATGGAGATTTTGATCACGGTAACCGATCAGAATGACAACAAGCCCGAA[T>G]TCACCCAGGAGGTCTTTAAGGGGTCTGTCATGGAAGGTGCTCTTCCAGGTATATCCACTA-3'
Protein context (NP_004351.1, residues 252-272): VTDQNDNKPE[Phe262Val]TQEVFKGSVM

ClinVar aggregate classification (germline): Uncertain significance (1 of 4 stars; one submission).

Conditions:
Hereditary diffuse gastric adenocarcinoma (HDGC). Also called: DIFFUSE GASTRIC AND LOBULAR BREAST CANCER SYNDROME. Identifiers: Orphanet 26106, MedGen C1708349, MONDO:0007648, OMIM 137215.

Allele frequency attached by ClinVar (database versions not stated): gnomAD exomes below 0.00001.
gnomAD v4.1: 2 of 1,614,104 alleles (0.00012%); highest among the groups gnomAD compares: Non-Finnish European, 0.00017%; no homozygotes.

Submission:

Labcorp Genetics (formerly Invitae), Labcorp
Classification: Uncertain significance for Hereditary diffuse gastric adenocarcinoma. Last evaluated: 2025-03-26. Review status: criteria provided, single submitter. Criteria: Invitae Variant Classification Sherloc (09022015). Collection method: clinical testing. Allele origin: germline.
Comment: This sequence change replaces phenylalanine, which is neutral and non-polar, with valine, which is neutral and non-polar, at codon 262 of the CDH1 protein (p.Phe262Val). This variant is not present in population databases (gnomAD no frequency). This variant has not been reported in the literature in individuals affected with CDH1-related conditions. ClinVar contains an entry for this variant (Variation ID: 578067). An algorithm developed to predict the effect of missense changes on protein structure and function (PolyPhen-2) suggests that this variant is likely to be disruptive. In summary, the available evidence is currently insufficient to determine the role of this variant in disease. Therefore, it has been classified as a Variant of Uncertain Significance.